The following is an entry in ClinVar:

NM_000455.5(STK11):c.664_666dup (p.Pro222dup)

Gene: STK11 (serine/threonine kinase 11; plus strand). Cytogenetic location: 19p13.3.
Variant type: Duplication.
Coding change: c.664_666dup on transcript NM_000455.5 (MANE Select); coding-DNA positions 664 to 666, 3 bases duplicated (CCC; older notation c.664_666dupCCC).
Protein change: p.Pro222dup; duplicates proline 222.
Molecular consequence: inframe insertion.
Genome position (GRCh38, 1-based): chr19:1,220,647-1,220,649, CCC duplicated. VCF-style (leftmost placement, unchanged base first): chr19-1220646-G-GCCC. GRCh37 (hg19) VCF-style: chr19-1220645-G-GCCC.
Other names: c.664_666dupCCC (NM_000455.4).
Identifiers: ClinVar variation 428764 (VCV000428764.3), dbSNP rs1131690928, ClinGen allele CA645369771.

ClinVar aggregate classification (germline): Uncertain significance (1 of 4 stars; one submission).

Conditions:
Hereditary cancer-predisposing syndrome. Also called: Hereditary Cancer Syndrome; Neoplastic Syndromes, Hereditary; Hereditary neoplastic syndrome; Tumor predisposition. Identifiers: Orphanet 140162, MedGen C0027672, MeSH D009386, MONDO:0015356.

Submission:

Ambry Genetics
Classification: Uncertain significance for Hereditary cancer-predisposing syndrome. Last evaluated: 2013-03-11. Review status: criteria provided, single submitter. Criteria: Ambry Autosomal Dominant and X-Linked criteria (10/2015). Collection method: clinical testing. Allele origin: germline. Observed: 1 variant allele.
Comment: Co-segregation data for this variant is currently unavailable. This variant has not been detected in conjunction with a pathogenic mutation to date.This alteration was not reported in population-based cohorts in the following databases: Database of Single Nucleotide Polymorphisms (dbSNP), NHLBI Exome Sequencing Project (ESP) and 1000 Genomes Project.This alteration results from an in-frame duplication of 3 nucleotides at positions 664-666.This splice prediction software does not predict a deleterious effect on splicing.This splice prediction software does not predict a deleterious effect on splicing.